The following is an entry in ClinVar:

NM_024580.6(EFL1):c.1256C>G (p.Ala419Gly)

Gene: EFL1 (elongation factor like GTPase 1; minus strand). Cytogenetic location: 15q25.2.
Variant type: single nucleotide variant.
Coding change: c.1256C>G on transcript NM_024580.6 (MANE Select); coding-DNA position 1256, C replaced by G.
Protein change: p.Ala419Gly; replaces alanine 419 with glycine.
Molecular consequence: missense variant. On other transcripts: non-coding transcript variant (1).
Genome position (GRCh38, 1-based): chr15:82,225,201, G>C on the plus strand (C>G on the coding strand, the complement: EFL1 is on the minus strand). VCF-style: chr15-82225201-G-C. GRCh37 (hg19) VCF-style: chr15-82517542-G-C.
Other names: c.1103C>G, p.Ala368Gly (NM_001040610.3); c.467C>G, p.Ala156Gly (NM_001322844.2); c.1256C>G, p.Ala419Gly (NM_001322845.2); short protein forms A156G, A368G, A419G.
Identifiers: ClinVar variation 2120889 (VCV002120889.4), dbSNP rs2505483295, ClinGen allele CA393275751.

ClinVar aggregate classification (germline): Uncertain significance (1 of 4 stars; one submission).

Submission:

Labcorp Genetics (formerly Invitae), Labcorp
Classification: Uncertain significance. Last evaluated: 2022-04-02. Review status: criteria provided, single submitter. Criteria: Invitae Variant Classification Sherloc (09022015). Collection method: clinical testing. Allele origin: germline.
Comment: This sequence change replaces alanine, which is neutral and non-polar, with glycine, which is neutral and non-polar, at codon 419 of the EFL1 protein (p.Ala419Gly). This variant is not present in population databases (gnomAD no frequency). This variant has not been reported in the literature in individuals affected with EFL1-related conditions. Algorithms developed to predict the effect of missense changes on protein structure and function (SIFT, PolyPhen-2, Align-GVGD) all suggest that this variant is likely to be tolerated. In summary, the available evidence is currently insufficient to determine the role of this variant in disease. Therefore, it has been classified as a Variant of Uncertain Significance.